The following is an entry in ClinVar:

ClinVar aggregate classification (germline): Uncertain significance (1 of 4 stars; one submission).

Conditions:
Amyotrophic lateral sclerosis type 15. Also called: AMYOTROPHIC LATERAL SCLEROSIS 15 WITH FRONTOTEMPORAL DEMENTIA. Identifiers: Orphanet 803, MedGen C3275459, MONDO:0010459, OMIM 300857.

Allele frequency attached by ClinVar (database versions not stated): ExAC 0.00001; gnomAD 0.00003; TOPMed 0.00003; ESP Exome Variant Server 0.00009.

Submission:

Labcorp Genetics (formerly Invitae), Labcorp
Classification: Uncertain significance for Amyotrophic lateral sclerosis type 15. Last evaluated: 2024-05-12. Review status: criteria provided, single submitter. Criteria: Invitae Variant Classification Sherloc (09022015). Collection method: clinical testing. Allele origin: germline.
Comment: This sequence change replaces glutamine, which is neutral and polar, with histidine, which is basic and polar, at codon 216 of the UBQLN2 protein (p.Gln216His). This variant is present in population databases (rs371216070, gnomAD 0.01%). This variant has not been reported in the literature in individuals affected with UBQLN2-related conditions. ClinVar contains an entry for this variant (Variation ID: 2170914). Advanced modeling of protein sequence and biophysical properties (such as structural, functional, and spatial information, amino acid conservation, physicochemical variation, residue mobility, and thermodynamic stability) performed at Invitae indicates that this missense variant is expected to disrupt UBQLN2 protein function with a positive predictive value of 80%. In summary, the available evidence is currently insufficient to determine the role of this variant in disease. Therefore, it has been classified as a Variant of Uncertain Significance.

NM_013444.4(UBQLN2):c.648G>T (p.Gln216His)

Genes: UBQLN2 (ubiquilin 2; plus strand), LOC130068339 (ATAC-STARR-seq lymphoblastoid active region 29687; plus strand). Cytogenetic location: Xp11.21.
Variant type: single nucleotide variant.
Coding change: c.648G>T on transcript NM_013444.4 (MANE Select); coding-DNA position 648, G replaced by T.
Protein change: p.Gln216His; replaces glutamine 216 with histidine.
Molecular consequence: missense variant.
Genome position (GRCh38, 1-based): chrX:56,564,521, G>T. VCF-style: chrX-56564521-G-T. GRCh37 (hg19) VCF-style: chrX-56590954-G-T.
Other names: short protein forms Q216H.
Identifiers: ClinVar variation 2170914 (VCV002170914.4), dbSNP rs371216070, ClinGen allele CA10430085.